The following is an entry in ClinVar:

NM_000548.5(TSC2):c.5203_5212dup (p.Ser1738fs)

Gene: TSC2 (TSC complex subunit 2; plus strand). Cytogenetic location: 16p13.3.
Variant type: Duplication.
Coding change: c.5203_5212dup on transcript NM_000548.5 (MANE Select); coding-DNA positions 5203 to 5212, 10 bases duplicated (ATCTACCCCT; older notation c.5203_5212dupATCTACCCCT).
Protein change: p.Ser1738fs; shifts the reading frame from serine 1738.
Molecular consequence: frameshift variant. On other transcripts: non-coding transcript variant (5).
Genome position (GRCh38, 1-based): chr16:2,088,269-2,088,278, ATCTACCCCT duplicated; duplicating any 10 consecutive bases within chr16:2,088,268-2,088,278 gives the same sequence; the c. name uses the placement nearest the transcript's 3' end. VCF-style (leftmost placement, unchanged base first): chr16-2088267-A-ATATCTACCCC. GRCh37 (hg19) VCF-style: chr16-2138268-A-ATATCTACCCC.
Other names: c.3658_3667dup, p.Ser1223fs (NM_001406697.1, NM_001406695.1, NM_001406696.1); c.3400_3409dup, p.Ser1137fs (NM_001406698.1); c.5074_5083dup, p.Ser1695fs (NM_021055.3); c.4405_4414dup, p.Ser1472fs (NM_001406685.1, NM_001406686.1); c.4402_4411dup, p.Ser1471fs (NM_001406687.1, NM_001406688.1); c.3790_3799dup, p.Ser1267fs (NM_001406689.1); c.3730_3739dup, p.Ser1247fs (NM_001406690.1); c.3727_3736dup, p.Ser1246fs (NM_001406691.1); and 27 more; short protein forms S1267fs, S1518fs, S1538fs, S1623fs, S1665fs, S1666fs, S1667fs, S1682fs.
Identifiers: ClinVar variation 3648959 (VCV003648959.2).

ClinVar aggregate classification (germline): Pathogenic (1 of 4 stars; one submission).

Conditions:
Tuberous sclerosis 2 (TSC2). Identifiers: Orphanet 805, MedGen C1860707, MONDO:0013199, OMIM 613254.

Submission:

Labcorp Genetics (formerly Invitae), Labcorp
Classification: Pathogenic for Tuberous sclerosis 2. Last evaluated: 2024-04-06. Review status: criteria provided, single submitter. Criteria: Invitae Variant Classification Sherloc (09022015). Collection method: clinical testing. Allele origin: germline.
Comment: This sequence change creates a premature translational stop signal (p.Ser1738Tyrfs*40) in the TSC2 gene. It is expected to result in an absent or disrupted protein product. Loss-of-function variants in TSC2 are known to be pathogenic (PMID: 10205261, 17304050). This variant is not present in population databases (gnomAD no frequency). This variant has not been reported in the literature in individuals affected with TSC2-related conditions. This variant disrupts a region of the TSC2 protein in which other variant(s) (p.1784Alafs*, p.Phe1803Leufs*42) have been determined to be pathogenic (PMID: 24789117; Invitae). This suggests that this is a clinically significant region of the protein, and that variants that disrupt it are likely to be disease-causing. For these reasons, this variant has been classified as Pathogenic.

Literature cited by the submitters: PubMed 10205261; PubMed 17304050; PubMed 24789117.